The following is an entry in ClinVar:

NM_001374828.1(ARID1B):c.6443T>C (p.Leu2148Ser)

Gene: ARID1B (AT-rich interaction domain 1B; plus strand). Cytogenetic location: 6q25.3.
Variant type: single nucleotide variant.
Coding change: c.6443T>C on transcript NM_001374828.1 (MANE Select); coding-DNA position 6443, T replaced by C.
Protein change: p.Leu2148Ser; replaces leucine 2148 with serine.
Molecular consequence: missense variant.
Genome position (GRCh38, 1-based): chr6:157,207,215, T>C. VCF-style: chr6-157207215-T-C. GRCh37 (hg19) VCF-style: chr6-157528349-T-C.
Other names: c.6194T>C, p.Leu2065Ser (NM_001346813.1); c.3944T>C, p.Leu1315Ser (NM_001363725.2); c.6323T>C, p.Leu2108Ser (NM_001371656.1, NM_001374820.1); c.6284T>C, p.Leu2095Ser (NM_017519.3); c.6074T>C, p.Leu2025Ser (NM_020732.3); c.5861T>C, p.Leu1954Ser (NM_175863.2); short protein forms L1315S, L1954S, L2025S, L2065S, L2095S, L2108S, L2148S.
Identifiers: ClinVar variation 1722128 (VCV001722128.5), dbSNP rs1554237887, ClinGen allele CA366248294.
Genomic context (GRCh38, chr6:157,207,215, plus strand): 5'-TGGCCTGCAGCAAAGATGAGTGGTGGTGGGACTGCCTCGAGGTCTTGAGGGATAACACGT[T>C]GGTCACGTTGGCCAACATTTCCGGGCAGCTAGACTTGTCTGCTTACACGGAAAGCATCTG-3'
Protein context (NP_001361757.1, residues 2138-2158): DCLEVLRDNT[Leu2148Ser]VTLANISGQL

ClinVar aggregate classification (germline): Uncertain significance (1 of 4 stars; one submission).

Submission:

Labcorp Genetics (formerly Invitae), Labcorp
Classification: Uncertain significance. Last evaluated: 2022-08-14. Review status: criteria provided, single submitter. Criteria: Invitae Variant Classification Sherloc (09022015). Collection method: clinical testing. Allele origin: germline.
Comment: This sequence change replaces leucine, which is neutral and non-polar, with serine, which is neutral and polar, at codon 2025 of the ARID1B protein (p.Leu2025Ser). This variant is not present in population databases (gnomAD no frequency). This variant has not been reported in the literature in individuals affected with ARID1B-related conditions. Algorithms developed to predict the effect of missense changes on protein structure and function are either unavailable or do not agree on the potential impact of this missense change (SIFT: "Deleterious"; PolyPhen-2: "Probably Damaging"; Align-GVGD: "Class C0"). In summary, the available evidence is currently insufficient to determine the role of this variant in disease. Therefore, it has been classified as a Variant of Uncertain Significance.